The following is an entry in ClinVar:

ClinVar aggregate classification (germline): Pathogenic/Likely pathogenic. Review status: criteria provided, multiple submitters, no conflicts (2 of 4 stars). 3 submissions from 3 submitters: Pathogenic (2); Likely pathogenic (1). Last evaluated 2023-03-08.

Conditions:
Charcot-Marie-Tooth disease type 4K. Also called: CHARCOT-MARIE-TOOTH DISEASE, DEMYELINATING, TYPE 4K; CHARCOT-MARIE-TOOTH DISEASE, DEMYELINATING, AUTOSOMAL RECESSIVE, TYPE 4K; CHARCOT-MARIE-TOOTH NEUROPATHY, DEMYELINATING, AUTOSOMAL RECESSIVE, TYPE 4K. Identifiers: Orphanet 391351, MedGen C4225246, MONDO:0014733, OMIM 616684.
Mitochondrial complex IV deficiency, nuclear type 1 (MC4DN1). Also called: COX DEFICIENCY; Mitochondrial complex IV deficiency; Complex 4 mitochondrial respiratory chain deficiency; Deficiency of mitochondrial respiratory chain complex4; Complex IV deficiency. Identifiers: MedGen C5435656, MONDO:0700250, OMIM 220110. Disease mechanism: loss of function.
Leigh syndrome (NULS). Also called: Leigh Disease; Leigh's necrotizing encephalopathy; Leigh's disease; Leigh Syndrome (mtDNA deletion); LEIGH SYNDROME, NUCLEAR; Leigh's syndrome. Identifiers: Orphanet 506, MedGen C2931891, MONDO:0009723, OMIM 256000.

Allele frequency attached by ClinVar (database versions not stated): gnomAD exomes below 0.00001.

Submissions (3):

Labcorp Genetics (formerly Invitae), Labcorp
Classification: Pathogenic for Leigh syndrome. Last evaluated: 2023-03-08. Review status: criteria provided, single submitter. Criteria: Invitae Variant Classification Sherloc (09022015). Collection method: clinical testing. Allele origin: germline.
Comment: ClinVar contains an entry for this variant (Variation ID: 379686). For these reasons, this variant has been classified as Pathogenic. This premature translational stop signal has been observed in individual(s) with Leigh Syndrome or ataxia (PMID: 34052969, 35094435). This variant is not present in population databases (gnomAD no frequency). This sequence change creates a premature translational stop signal (p.Trp227*) in the SURF1 gene. It is expected to result in an absent or disrupted protein product. Loss-of-function variants in SURF1 are known to be pathogenic (PMID: 10443880, 22488715, 24027061).

GeneDx
Classification: Pathogenic. Last evaluated: 2015-05-06. Review status: criteria provided, single submitter. Criteria: GeneDx Variant Classification (06012015). Collection method: clinical testing. Allele origin: germline. Affected: yes.
Comment: The W227X nonsense variant in the SURF1 gene is predicted to cause loss of normal protein functioneither through protein truncation or nonsense-mediated mRNA decay. Although this variant has not beenreported previously to our knowledge, it is expected to be a pathogenic variant.

Juno Genomics, Hangzhou Juno Genomics, Inc
Classification: Likely pathogenic for Charcot-Marie-Tooth disease type 4K; Mitochondrial complex IV deficiency, nuclear type 1. Review status: criteria provided, single submitter. Criteria: ACMG Guidelines, 2015. Collection method: clinical testing. Allele origin: germline.
Comment: Null variant in a gene where loss of function (LOF) is a known mechanism of disease.;Absent from controls (or at extremely low frequency if recessive) in Genome Aggregation Database.

Literature cited by the submitters: PubMed 34052969 (cited by Labcorp Genetics (formerly Invitae), Labcorp); PubMed 35094435 (cited by Labcorp Genetics (formerly Invitae), Labcorp); PubMed 10443880 (cited by Labcorp Genetics (formerly Invitae), Labcorp); PubMed 22488715 (cited by Labcorp Genetics (formerly Invitae), Labcorp); PubMed 24027061 (cited by Labcorp Genetics (formerly Invitae), Labcorp).

NM_003172.4(SURF1):c.681G>A (p.Trp227Ter)

Gene: SURF1 (SURF1 cytochrome c oxidase assembly factor; minus strand). Cytogenetic location: 9q34.2.
Variant type: single nucleotide variant.
Coding change: c.681G>A on transcript NM_003172.4 (MANE Select); coding-DNA position 681, G replaced by A.
Protein change: p.Trp227Ter; replaces tryptophan 227 with a stop codon.
Molecular consequence: nonsense.
Genome position (GRCh38, 1-based): chr9:133,352,516, C>T on the plus strand (G>A on the coding strand, the complement: SURF1 is on the minus strand). VCF-style: chr9-133352516-C-T. GRCh37 (hg19) VCF-style: chr9-136219371-C-T.
Other names: c.354G>A, p.Trp118Ter (NM_001280787.1); short protein forms W227*, W118*.
Identifiers: ClinVar variation 379686 (VCV000379686.7), dbSNP rs1057520688, ClinGen allele CA16605403.